The following is an entry in ClinVar:

NM_001613.4(ACTA2):c.991-6T>C

Genes: ACTA2 (actin alpha 2, smooth muscle; minus strand), ACTA2-AS1 (ACTA2 antisense RNA 1; plus strand). Cytogenetic location: 10q23.31.
Variant type: single nucleotide variant.
Coding change: c.991-6T>C on transcript NM_001613.4 (MANE Select); 6 bases into the intron before coding-DNA position 991, T replaced by C.
Molecular consequence: intron variant. On other transcripts: non-coding transcript variant (1).
Genome position (GRCh38, 1-based): chr10:88,935,372, A>G on the plus strand (T>C on the coding strand, the complement: ACTA2 is on the minus strand). VCF-style: chr10-88935372-A-G. GRCh37 (hg19) VCF-style: chr10-90695129-A-G.
Other names: c.862-6T>C (NM_001406467.1, NM_001406468.1, NM_001406469.1); c.991-6T>C (NM_001320855.2, NM_001406462.1, NM_001141945.3 and 2 more transcripts); c.799-6T>C (NM_001406471.1); c.880-6T>C (NM_001406466.1).
Identifiers: ClinVar variation 382846 (VCV000382846.12), dbSNP rs1057521471, ClinGen allele CA16605997.
Genomic context (GRCh38, chr10:88,935,372, plus strand): 5'-CCAGGATGGAGCCACCGATCCAGACAGAGTATTTGCGCTCCGGAGGGGCAATGATCTGTC[A>G]GTCAAGATGAAAAAGAATGGTCATTAATGTCATCATTAGTGCAGTCGTTAGTGCGGTAGG-3'

ClinVar aggregate classification (germline): Likely benign. Review status: criteria provided, multiple submitters, no conflicts (2 of 4 stars). 4 submissions from 4 submitters: Likely benign (3). 1 of the submissions does not count toward it. Last evaluated 2022-08-21.

Conditions:
ACTA2-related disorder. Also called: ACTA2-related condition; ACTA2-related disorders.
Familial thoracic aortic aneurysm and aortic dissection (TAAD). Also called: Thoracic aortic aneurysms and dissections. Identifiers: Orphanet 91387, MedGen C4707243, MONDO:0019625.
Aortic aneurysm, familial thoracic 6 (AAT6). Also called: FAMILIAL THORACIC AORTIC ANEURYSM WITH LIVEDO RETICULARIS AND IRIS FLOCCULI. Identifiers: MedGen C2673186, MONDO:0012730, OMIM 611788.

Allele frequency attached by ClinVar (database versions not stated): gnomAD exomes below 0.00001 and 0.00001; TOPMed below 0.00001.
gnomAD v4.1: 6 of 1,613,620 alleles (0.00037%); highest among the groups gnomAD compares: Admixed American, 0.0083%; no homozygotes.

Submissions (4):

Labcorp Genetics (formerly Invitae), Labcorp
Classification: Likely benign for Aortic aneurysm, familial thoracic 6. Last evaluated: 2022-08-21. Review status: criteria provided, single submitter. Criteria: Invitae Variant Classification Sherloc (09022015). Collection method: clinical testing. Allele origin: germline.

Color Diagnostics, LLC DBA Color Health
Classification: Likely benign for Familial thoracic aortic aneurysm and aortic dissection. Last evaluated: 2019-09-30. Review status: criteria provided, single submitter. Criteria: ACMG Guidelines, 2015. Collection method: clinical testing. Allele origin: germline.

GeneDx
Classification: Likely benign. Last evaluated: 2016-01-11. Review status: criteria provided, single submitter. Criteria: GeneDx Variant Classification (06012015). Collection method: clinical testing. Allele origin: germline. Affected: yes.
Comment: This variant is considered likely benign or benign based on one or more of the following criteria: it is a conservative change, it occurs at a poorly conserved position in the protein, it is predicted to be benign by multiple in silico algorithms, and/or has population frequency not consistent with disease.

PreventionGenetics, part of Exact Sciences
Classification: Likely benign for ACTA2-related condition. Last evaluated: 2019-03-07. Review status: no assertion criteria provided. Collection method: clinical testing. Allele origin: germline. Not counted in ClinVar's aggregate classification.
Comment: This variant is classified as likely benign based on ACMG/AMP sequence variant interpretation guidelines (Richards et al. 2015 PMID: 25741868, with internal and published modifications).